The following is an entry in ClinVar:

NM_001384749.1(HOXB3):c.962A>T (p.Tyr321Phe)

Genes: HOXB-AS1 (HOXB cluster antisense RNA 1; plus strand), HOXB3 (homeobox B3; minus strand). Cytogenetic location: 17q21.32.
Variant type: single nucleotide variant.
Coding change: c.962A>T on transcript NM_001384749.1 (MANE Select); coding-DNA position 962, A replaced by T.
Protein change: p.Tyr321Phe; replaces tyrosine 321 with phenylalanine.
Molecular consequence: missense variant.
Genome position (GRCh38, 1-based): chr17:48,550,668, T>A on the plus strand (A>T on the coding strand, the complement: HOXB3 is on the minus strand). VCF-style: chr17-48550668-T-A. GRCh37 (hg19) VCF-style: chr17-46628030-T-A.
Other names: c.743A>T, p.Tyr248Phe (NM_001330322.2, NM_001384750.1); c.566A>T, p.Tyr189Phe (NM_001330323.1); c.962A>T, p.Tyr321Phe (NM_001384747.1, NM_002146.4); short protein forms Y189F, Y248F, Y321F.
Identifiers: ClinVar variation 3026547 (VCV003026547.22), dbSNP rs1414147639, ClinGen allele CA400098912.
Genomic context (GRCh38, chr17:48,550,668, plus strand): 5'-TAGGCGCCCCCGTTGGCTTGGAGGACGTGCGGCTCATACTCGGGCGCCGGGGTCGGAGGG[T>A]ACTTCTGCGGGGCGCCGCAGCCTTTGAGAGGGGGCTGGTAGTTGGAGGGCAGCGCGTAGG-3'
Protein context (NP_001371678.1, residues 311-331): PLKGCGAPQK[Tyr321Phe]PPTPAPEYEP

ClinVar aggregate classification (germline): Uncertain significance (1 of 4 stars; one submission).

Allele frequency attached by ClinVar (database versions not stated): gnomAD 0.00001.
gnomAD v4.1: 4 of 1,527,882 alleles (0.00026%); no homozygotes.

Submission:

CeGaT Center for Human Genetics Tuebingen
Classification: Uncertain significance. Last evaluated: 2024-01-01. Review status: criteria provided, single submitter. Criteria: CeGaT Center For Human Genetics Tuebingen Variant Classification Criteria Version 2. Collection method: clinical testing. Allele origin: germline. Affected: yes. Observed: 1 variant allele.
Comment: HOXB3: PM2, PP3